The following is an entry in ClinVar:

ClinVar aggregate classification (germline): Uncertain significance (1 of 4 stars; one submission).

Submission:

Labcorp Genetics (formerly Invitae), Labcorp
Classification: Uncertain significance. Last evaluated: 2024-12-02. Review status: criteria provided, single submitter. Criteria: Invitae Variant Classification Sherloc (09022015). Collection method: clinical testing. Allele origin: germline.
Comment: This sequence change replaces glycine, which is neutral and non-polar, with valine, which is neutral and non-polar, at codon 21 of the COQ2 protein (p.Gly21Val). This variant is not present in population databases (gnomAD no frequency). This variant has not been reported in the literature in individuals affected with COQ2-related conditions. ClinVar contains an entry for this variant (Variation ID: 2047411). An algorithm developed to predict the effect of missense changes on protein structure and function (PolyPhen-2) suggests that this variant is likely to be tolerated. In summary, the available evidence is currently insufficient to determine the role of this variant in disease. Therefore, it has been classified as a Variant of Uncertain Significance.

NC_000004.12:g.83284853C>A

Genes: COQ2 (coenzyme Q2, polyprenyltransferase; minus strand), LOC112997540 (Sharpr-MPRA regulatory region 13773; plus strand). Cytogenetic location: 4q21.23.
Variant type: single nucleotide variant.
Molecular consequence: missense variant (on NM_015697.9).
Genome position: GRCh38 VCF-style: chr4-83284853-C-A. GRCh37 (hg19) VCF-style: chr4-84206006-C-A.
Other names: c.62G>T, p.Gly21Val (NM_015697.9); short protein forms G21V.
Identifiers: ClinVar variation 2047411 (VCV002047411.4), dbSNP rs2529783434, ClinGen allele CA357231493.